The following is an entry in ClinVar:

ClinVar aggregate classification (germline): Likely benign. Review status: criteria provided, multiple submitters, no conflicts (2 of 4 stars). 2 submissions from 2 submitters: Likely benign (2). Last evaluated 2025-11-17.

Conditions:
LCAT-related disorder. Also called: LCAT-related condition.

Allele frequency attached by ClinVar (database versions not stated): ESP Exome Variant Server 0.00008.
gnomAD v4.1: 17 of 1,612,420 alleles (0.0011%); highest among the groups gnomAD compares: Non-Finnish European, 0.0014%; no homozygotes.

Submissions (2):

Labcorp Genetics (formerly Invitae), Labcorp
Classification: Likely benign. Last evaluated: 2025-11-17. Review status: criteria provided, single submitter. Criteria: Invitae Variant Classification Sherloc (09022015). Collection method: clinical testing. Allele origin: germline.

PreventionGenetics, part of Exact Sciences
Classification: Likely benign for LCAT-related condition. Last evaluated: 2024-11-17. Review status: criteria provided, single submitter. Criteria: ACMG Guidelines, 2015. Collection method: clinical testing. Allele origin: germline.
Comment: This variant is classified as likely benign based on ACMG/AMP sequence variant interpretation guidelines (Richards et al. 2015 PMID: 25741868, with internal and published modifications).

NM_000229.2(LCAT):c.428-10C>A

Gene: LCAT (lecithin-cholesterol acyltransferase; minus strand). Cytogenetic location: 16q22.1.
Variant type: single nucleotide variant.
Coding change: c.428-10C>A on transcript NM_000229.2 (MANE Select); 10 bases into the intron before coding-DNA position 428, C replaced by A.
Molecular consequence: intron variant.
Genome position (GRCh38, 1-based): chr16:67,942,776, G>T on the plus strand (C>A on the coding strand, the complement: LCAT is on the minus strand). VCF-style: chr16-67942776-G-T. GRCh37 (hg19) VCF-style: chr16-67976679-G-T.
Other names: c.428-10C>A (NM_000229.1).
Identifiers: ClinVar variation 2725189 (VCV002725189.4), dbSNP rs368492194, ClinGen allele CA8121080.